The following is an entry in ClinVar:

ClinVar aggregate classification (germline): Uncertain significance (1 of 4 stars; one submission).

Conditions:
Hereditary cancer-predisposing syndrome. Also called: Hereditary Cancer Syndrome; Hereditary neoplastic syndrome; Neoplastic Syndromes, Hereditary; Tumor predisposition. Identifiers: Orphanet 140162, MedGen C0027672, MeSH D009386, MONDO:0015356.

Submission:

Ambry Genetics
Classification: Uncertain significance for Hereditary cancer-predisposing syndrome. Last evaluated: 2022-06-01. Review status: criteria provided, single submitter. Criteria: Ambry Variant Classification Scheme 2023. Collection method: clinical testing. Allele origin: germline.
Comment: The p.S406F variant (also known as c.1217C>T), located in coding exon 10 of the NBN gene, results from a C to T substitution at nucleotide position 1217. The serine at codon 406 is replaced by phenylalanine, an amino acid with highly dissimilar properties. This amino acid position is poorly conserved in available vertebrate species. In addition, this alteration is predicted to be tolerated by in silico analysis. Since supporting evidence is limited at this time, the clinical significance of this alteration remains unclear.

NM_002485.5(NBN):c.1217C>T (p.Ser406Phe)

Gene: NBN (nibrin; minus strand). Cytogenetic location: 8q21.3.
Variant type: single nucleotide variant.
Coding change: c.1217C>T on transcript NM_002485.5 (MANE Select); coding-DNA position 1217, C replaced by T.
Protein change: p.Ser406Phe; replaces serine 406 with phenylalanine.
Molecular consequence: missense variant.
Genome position (GRCh38, 1-based): chr8:89,955,463, G>A on the plus strand (C>T on the coding strand, the complement: NBN is on the minus strand). VCF-style: chr8-89955463-G-A. GRCh37 (hg19) VCF-style: chr8-90967691-G-A.
Other names: c.971C>T, p.Ser324Phe (NM_001024688.3); short protein forms S406F, S324F.
Identifiers: ClinVar variation 1751971 (VCV001751971.2), dbSNP rs1810666233, ClinGen allele CA371656337.
Genomic context (GRCh38, chr8:89,955,463, plus strand): 5'-ATTCTCATCTTAGCCAAAGTATTTGATACCATACTATTATTATTAGAGCTTGTTTTGCAG[G>A]ACTCCTTTACAGTGGGTGCATCTTGTGAAAGCATTCTGAATTTTTGTTCCATTTTGGAGA-3'
Protein context (NP_002476.2, residues 396-416): LSQDAPTVKE[Ser406Phe]CKTSSNNNSM